The following is an entry in ClinVar:

NM_001110556.2(FLNA):c.6426G>C (p.Glu2142Asp)

Gene: FLNA (filamin A; minus strand). Cytogenetic location: Xq28.
Variant type: single nucleotide variant.
Coding change: c.6426G>C on transcript NM_001110556.2 (MANE Select); coding-DNA position 6426, G replaced by C.
Protein change: p.Glu2142Asp; replaces glutamic acid 2142 with aspartic acid.
Molecular consequence: missense variant.
Genome position (GRCh38, 1-based): chrX:154,352,629, C>G on the plus strand (G>C on the coding strand, the complement: FLNA is on the minus strand). VCF-style: chrX-154352629-C-G. GRCh37 (hg19) VCF-style: chrX-153580997-C-G.
Other names: c.6402G>C, p.Glu2134Asp (NM_001456.4); short protein forms E2134D, E2142D.
Identifiers: ClinVar variation 1020694 (VCV001020694.9), dbSNP rs2067628711, ClinGen allele CA415192348.
Genomic context (GRCh38, chrX:154,352,629, plus strand): 5'-GAGGTCACAATGACTACCAACGTTGGCCACTGAAGGAGCCCGACGCCTGCGGGTGATGCT[C>G]TCTTTCACCCGGCCCTCGCCTGTCACCTTCACAGAGAAGGGGCTGCCTGCAGGAAGAAAG-3'
Protein context (NP_001104026.1, residues 2132-2152): VKVTGEGRVK[Glu2142Asp]SITRRRRAPS

ClinVar aggregate classification (germline): Uncertain significance (1 of 4 stars; one submission).

Conditions:
Frontometaphyseal dysplasia (FMD1). Identifiers: Orphanet 1826, MedGen C0265293, MONDO:0015942.
Melnick-Needles syndrome (MNS). Also called: MELNICK-NEEDLES OSTEODYSPLASTY; OSTEODYSPLASTY OF MELNICK AND NEEDLES; Melnick-Needles Syndrome (FLNA-MNS). Identifiers: Orphanet 2484, MedGen C0025237, MONDO:0010650, OMIM 309350.
Oto-palato-digital syndrome, type II (OPD2). Also called: FACIOPALATOOSSEOUS SYNDROME; Otopalatodigital Syndrome, Type II; OPD II SYNDROME; Otopalatodigital Syndrome Type 2 (FLNA-OPD2). Identifiers: Orphanet 669, Orphanet 90652, MedGen C1844696, MONDO:0010571, OMIM 304120.
Heterotopia, periventricular, X-linked dominant (PVNH1). Also called: PERIVENTRICULAR NODULAR HETEROTOPIA 1; X-linked periventricular heterotopia; PERIVENTRICULAR NODULAR HETEROTOPIA 4; HETEROTOPIA, PERIVENTRICULAR, 1. Identifiers: Orphanet 2149, Orphanet 82004, MedGen C1848213, MONDO:0010233, OMIM 300049.

Allele frequency attached by ClinVar (database versions not stated): gnomAD exomes below 0.00001.
gnomAD v4.1: 1 of 1,211,622 alleles (0.000083%); highest among the groups gnomAD compares: Non-Finnish European, 0.00011%; no homozygotes.

Submission:

Labcorp Genetics (formerly Invitae), Labcorp
Classification: Uncertain significance for Oto-palato-digital syndrome, type II; Heterotopia, periventricular, X-linked dominant; Frontometaphyseal dysplasia; Melnick-Needles syndrome. Last evaluated: 2020-09-17. Review status: criteria provided, single submitter. Criteria: Invitae Variant Classification Sherloc (09022015). Collection method: clinical testing. Allele origin: germline.
Comment: In summary, the available evidence is currently insufficient to determine the role of this variant in disease. Therefore, it has been classified as a Variant of Uncertain Significance. Advanced modeling of protein sequence and biophysical properties (such as structural, functional, and spatial information, amino acid conservation, physicochemical variation, residue mobility, and thermodynamic stability) performed at Invitae indicates that this missense variant is not expected to disrupt FLNA protein function. This variant has not been reported in the literature in individuals with FLNA-related conditions. This variant is not present in population databases (ExAC no frequency). This sequence change replaces glutamic acid with aspartic acid at codon 2134 of the FLNA protein (p.Glu2134Asp). The glutamic acid residue is highly conserved and there is a small physicochemical difference between glutamic acid and aspartic acid.